The following is an entry in ClinVar:

ClinVar aggregate classification (germline): Uncertain significance (1 of 4 stars; one submission).

Conditions:
Baller-Gerold syndrome (BGS). Also called: CRANIOSYNOSTOSIS WITH RADIAL DEFECTS. Identifiers: Orphanet 1225, MedGen C0265308, MONDO:0009039, OMIM 218600.

Allele frequency attached by ClinVar (database versions not stated): gnomAD exomes below 0.00001.
gnomAD v4.1: 5 of 1,608,714 alleles (0.00031%); highest among the groups gnomAD compares: East Asian, 0.0022%; no homozygotes.

Submission:

Labcorp Genetics (formerly Invitae), Labcorp
Classification: Uncertain significance for Baller-Gerold syndrome. Last evaluated: 2024-04-10. Review status: criteria provided, single submitter. Criteria: Invitae Variant Classification Sherloc (09022015). Collection method: clinical testing. Allele origin: germline.
Comment: This sequence change replaces methionine, which is neutral and non-polar, with threonine, which is neutral and polar, at codon 761 of the RECQL4 protein (p.Met761Thr). This variant is not present in population databases (gnomAD no frequency). This variant has not been reported in the literature in individuals affected with RECQL4-related conditions. ClinVar contains an entry for this variant (Variation ID: 664912). Advanced modeling of protein sequence and biophysical properties (such as structural, functional, and spatial information, amino acid conservation, physicochemical variation, residue mobility, and thermodynamic stability) performed at Invitae indicates that this missense variant is expected to disrupt RECQL4 protein function with a positive predictive value of 80%. In summary, the available evidence is currently insufficient to determine the role of this variant in disease. Therefore, it has been classified as a Variant of Uncertain Significance.

NM_004260.4(RECQL4):c.2282T>C (p.Met761Thr)

Gene: RECQL4 (RecQ like helicase 4; minus strand). Cytogenetic location: 8q24.3.
Variant type: single nucleotide variant.
Coding change: c.2282T>C on transcript NM_004260.4 (MANE Select); coding-DNA position 2282, T replaced by C.
Protein change: p.Met761Thr; replaces methionine 761 with threonine.
Molecular consequence: missense variant.
Genome position (GRCh38, 1-based): chr8:144,513,399, A>G on the plus strand (T>C on the coding strand, the complement: RECQL4 is on the minus strand). VCF-style: chr8-144513399-A-G. GRCh37 (hg19) VCF-style: chr8-145738783-A-G.
Other names: short protein forms M761T.
Identifiers: ClinVar variation 664912 (VCV000664912.7), dbSNP rs1586803043, ClinGen allele CA372678427.
Genomic context (GRCh38, chr8:144,513,399, plus strand): 5'-GGCCGGTCCAGCCCCATCCCAAAGGCCACCGTGGCCACCACCACCCGCAACTGGCCCTGC[A>G]TGAAGGCTCGCTGTACCCGCCGCCGTTCCCGGCTGCACATGCCCGCGTGGTAGGCCTCGG-3'
Protein context (NP_004251.4, residues 751-771): RERRRVQRAF[Met761Thr]QGQLRVVVAT